The following is an entry in ClinVar:

NM_018930.4(PCDHB10):c.1782C>T (p.Gly594=)

Genes: PCDHB10 (protocadherin beta 10; plus strand), PCDHB@ (protocadherin beta cluster; plus strand). Cytogenetic location: 5q31.3.
Variant type: single nucleotide variant.
Coding change: c.1782C>T on transcript NM_018930.4 (MANE Select); coding-DNA position 1782, C replaced by T.
Protein change: p.Gly594=; no amino-acid change (glycine 594 retained).
Molecular consequence: synonymous variant.
Genome position (GRCh38, 1-based): chr5:141,194,334, C>T. VCF-style: chr5-141194334-C-T. GRCh37 (hg19) VCF-style: chr5-140573907-C-T.
Identifiers: ClinVar variation 4821664 (VCV004821664.4).
Genomic context (GRCh38, chr5:141,194,334, plus strand): 5'-GCTGGTGCCCCGGGCGGCCGAGCCGGGCTACCTGGTGACCAAGGTGGTGGCGGTGGACGG[C>T]GACTCGGGCCAGAACGCCTGGCTGTCGTACCAGCTGCTCAAGGCCACGGAGCCCGGGCTG-3'
Protein context (NP_061753.1, residues 584-604): YLVTKVVAVD[Gly594=]DSGQNAWLSY

ClinVar aggregate classification (germline): Likely benign (1 of 4 stars; one submission).

gnomAD v4.1: 201 of 1,600,874 alleles (0.013%); highest among the groups gnomAD compares: Middle Eastern, 0.022%; no homozygotes.

Submission:

CeGaT Center for Human Genetics Tuebingen
Classification: Likely benign. Last evaluated: 2026-01-01. Review status: criteria provided, single submitter. Criteria: CeGaT Center For Human Genetics Tuebingen Variant Classification Criteria Version 2. Collection method: clinical testing. Allele origin: germline. Affected: yes. Observed: 1 variant allele.
Comment: PCDHB10: BP4, BP7